The following is an entry in ClinVar:

ClinVar aggregate classification (germline): Uncertain significance (1 of 4 stars; one submission).

Conditions:
Hereditary breast ovarian cancer syndrome. Also called: Hereditary breast and ovarian cancer syndrome; Hereditary breast and ovarian cancer syndrome (HBOC); BRCA1- and BRCA2-Associated Hereditary Breast and Ovarian Cancer; Hereditary breast and ovarian cancer; Breast and ovarian cancer; Hereditary breast and/or ovarian cancer syndrome. Identifiers: Orphanet 145, MedGen C0677776, MeSH D061325, MONDO:0003582. Disease mechanism: loss of function.

Submission:

Labcorp Genetics (formerly Invitae), Labcorp
Classification: Uncertain significance for Hereditary breast ovarian cancer syndrome. Last evaluated: 2024-03-13. Review status: criteria provided, single submitter. Criteria: Invitae Variant Classification Sherloc (09022015). Collection method: clinical testing. Allele origin: germline.
Comment: This sequence change replaces aspartic acid, which is acidic and polar, with valine, which is neutral and non-polar, at codon 635 of the BRCA2 protein (p.Asp635Val). This variant is not present in population databases (gnomAD no frequency). This variant has not been reported in the literature in individuals affected with BRCA2-related conditions. Advanced modeling of protein sequence and biophysical properties (such as structural, functional, and spatial information, amino acid conservation, physicochemical variation, residue mobility, and thermodynamic stability) performed at Invitae indicates that this missense variant is not expected to disrupt BRCA2 protein function with a negative predictive value of 95%. In summary, the available evidence is currently insufficient to determine the role of this variant in disease. Therefore, it has been classified as a Variant of Uncertain Significance.

NM_000059.4(BRCA2):c.1904A>T (p.Asp635Val)

Gene: BRCA2 (BRCA2 DNA repair associated; plus strand). Cytogenetic location: 13q13.1.
Variant type: single nucleotide variant.
Coding change: c.1904A>T on transcript NM_000059.4 (MANE Select); coding-DNA position 1904, A replaced by T.
Protein change: p.Asp635Val; replaces aspartic acid 635 with valine.
Molecular consequence: missense variant. On other transcripts: non-coding transcript variant (1), intron variant (1).
Genome position (GRCh38, 1-based): chr13:32,333,382, A>T. VCF-style: chr13-32333382-A-T. GRCh37 (hg19) VCF-style: chr13-32907519-A-T.
Other names: c.1904A>T, p.Asp635Val (NM_001406719.1, NM_001406720.1, NM_001406721.1 and 1 more transcripts); c.424+2352A>T (NM_001406722.1); short protein forms D635V.
Identifiers: ClinVar variation 3636436 (VCV003636436.2).
Genomic context (GRCh38, chr13:32,333,382, plus strand): 5'-ACTGTTCAGCCCAGTTTGAAGCAAATGCTTTTGAAGCACCACTTACATTTGCAAATGCTG[A>T]TTCAGGTACCTCTGTCTTTTTTTTTTTGTAAATAGTACATATAGTTTTATAGATGACGAT-3'
Protein context (NP_000050.3, residues 625-645): FEAPLTFANA[Asp635Val]SGLLHSSVKR